The following is an entry in ClinVar:

ClinVar aggregate classification (germline): Conflicting classifications of pathogenicity. Review status: criteria provided, conflicting classifications (1 of 4 stars). 2 submissions from 2 submitters: Uncertain significance (1); Likely benign (1). Last evaluated 2022-02-02.

Conditions:
Developmental and epileptic encephalopathy 94 (DEE94). Also called: Epileptic encephalopathy, childhood-onset; CHD2-Related Neurodevelopmental Disorders. Identifiers: Orphanet 1942, Orphanet 2382, MedGen C3809278, MONDO:0014150, OMIM 615369.

Allele frequency attached by ClinVar (database versions not stated): gnomAD exomes below 0.00001; gnomAD 0.00001; TOPMed 0.00001.
gnomAD v4.1: 3 of 1,613,730 alleles (0.00019%); highest among the groups gnomAD compares: African/African-American, 0.0027%; no homozygotes.

Submissions (2):

Labcorp Genetics (formerly Invitae), Labcorp
Classification: Likely benign for Developmental and epileptic encephalopathy 94. Last evaluated: 2022-02-02. Review status: criteria provided, single submitter. Criteria: Invitae Variant Classification Sherloc (09022015). Collection method: clinical testing. Allele origin: germline.

GeneDx
Classification: Uncertain significance. Last evaluated: 2021-11-15. Review status: criteria provided, single submitter. Criteria: GeneDx Variant Classification Process June 2021. Collection method: clinical testing. Allele origin: germline. Affected: yes.
Comment: Identified in a patient with a neurodevelopmental disorder who inherited the variant from a parent; however, clinical information was not provided on the parent (Stessman et al., 2017); In silico analysis supports that this missense variant has a deleterious effect on protein structure/function; In-silico analysis is inconclusive as to whether the variant alters gene splicing. In the absence of RNA/functional studies, the actual effect of this sequence change is unknown.; This variant is associated with the following publications: (PMID: 33004838, 28191889)

NM_001271.4(CHD2):c.2843G>A (p.Arg948Gln)

Gene: CHD2 (chromodomain helicase DNA binding protein 2; plus strand). Cytogenetic location: 15q26.1.
Variant type: single nucleotide variant.
Coding change: c.2843G>A on transcript NM_001271.4 (MANE Select); coding-DNA position 2843, G replaced by A.
Protein change: p.Arg948Gln; replaces arginine 948 with glutamine.
Molecular consequence: missense variant.
Genome position (GRCh38, 1-based): chr15:92,979,250, G>A. VCF-style: chr15-92979250-G-A. GRCh37 (hg19) VCF-style: chr15-93522480-G-A.
Other names: short protein forms R948Q.
Identifiers: ClinVar variation 833950 (VCV000833950.11), dbSNP rs1158357314, ClinGen allele CA393894261.